The following is an entry in ClinVar:

ClinVar aggregate classification (germline): Conflicting classifications of pathogenicity. Review status: criteria provided, conflicting classifications (1 of 4 stars). 10 submissions from 10 submitters: Uncertain significance (1); Likely benign (7). 2 of the submissions do not count toward it. Last evaluated 2026-02-04.

Conditions:
SLC2A10-related disorder. Also called: SLC2A10-related condition.
Arterial tortuosity syndrome (ATORS). Identifiers: Orphanet 3342, MedGen C1859726, MONDO:0008818, OMIM 208050.
Familial thoracic aortic aneurysm and aortic dissection (TAAD). Also called: Thoracic aortic aneurysms and dissections. Identifiers: Orphanet 91387, MedGen C4707243, MONDO:0019625.

Allele frequency attached by ClinVar (database versions not stated): gnomAD 0.00010 and 0.00011; ExAC 0.00012; TOPMed 0.00012; gnomAD exomes 0.00014 and 0.00023; ESP Exome Variant Server 0.00015; 1000 Genomes Project 30x 0.00031; 1000 Genomes Project 0.00040.

Submissions (10):

Labcorp Genetics (formerly Invitae), Labcorp
Classification: Likely benign for Arterial tortuosity syndrome. Last evaluated: 2026-02-04. Review status: criteria provided, single submitter. Criteria: Invitae Variant Classification Sherloc (09022015). Collection method: clinical testing. Allele origin: germline.

ARUP Laboratories, Molecular Genetics and Genomics, ARUP Laboratories
Classification: Likely benign for Arterial tortuosity syndrome. Last evaluated: 2024-10-03. Review status: criteria provided, single submitter. Criteria: ARUP Molecular Germline Variant Investigation Process 2024. Collection method: clinical testing. Allele origin: germline.

Blueprint Genetics
Classification: Likely benign. Last evaluated: 2024-05-23. Review status: criteria provided, single submitter. Criteria: ACMG Guidelines, 2015. Collection method: clinical testing. Allele origin: germline.

Women's Health and Genetics/Laboratory Corporation of America, LabCorp
Classification: Likely benign. Last evaluated: 2023-08-10. Review status: criteria provided, single submitter. Criteria: LabCorp Variant Classification Summary - May 2015. Collection method: clinical testing. Allele origin: germline.

GeneDx
Classification: Likely benign. Last evaluated: 2021-02-01. Review status: criteria provided, single submitter. Criteria: GeneDx Variant Classification Process June 2021. Collection method: clinical testing. Allele origin: germline. Affected: yes.

Ambry Genetics
Classification: Likely benign for Familial thoracic aortic aneurysm and aortic dissection. Last evaluated: 2020-12-28. Review status: criteria provided, single submitter. Criteria: Ambry Variant Classification Scheme 2023. Collection method: clinical testing. Allele origin: germline.

Illumina Laboratory Services, Illumina
Classification: Uncertain significance for Arterial tortuosity syndrome. Last evaluated: 2018-01-13. Review status: criteria provided, single submitter. Criteria: ICSL Variant Classification Criteria 13 December 2019. Collection method: clinical testing. Allele origin: germline.

Clinical Genetics DNA and cytogenetics Diagnostics Lab, Erasmus MC, Erasmus Medical Center
Classification: Likely benign for Arterial tortuosity syndrome. Last evaluated: 2017-06-28. Review status: criteria provided, single submitter. Criteria: ACGS Guidelines, 2013. Collection method: clinical testing. Allele origin: germline. Affected: yes. Study: VKGL Data-share Consensus.

PreventionGenetics, part of Exact Sciences
Classification: Likely benign for SLC2A10-related condition. Last evaluated: 2019-05-29. Review status: no assertion criteria provided. Collection method: clinical testing. Allele origin: germline. Not counted in ClinVar's aggregate classification.
Comment: This variant is classified as likely benign based on ACMG/AMP sequence variant interpretation guidelines (Richards et al. 2015 PMID: 25741868, with internal and published modifications).

Genome Diagnostics Laboratory, Amsterdam University Medical Center
Classification: Likely benign for Arterial tortuosity syndrome. Last evaluated: 2016-07-11. Review status: no assertion criteria provided. Criteria: ACGS Guidelines, 2013. Collection method: clinical testing. Allele origin: germline. Affected: yes. Study: VKGL Data-share Consensus. Not counted in ClinVar's aggregate classification.

NM_030777.4(SLC2A10):c.330C>T (p.Phe110=)

Gene: SLC2A10 (solute carrier family 2 member 10; plus strand). Cytogenetic location: 20q13.12.
Variant type: single nucleotide variant.
Coding change: c.330C>T on transcript NM_030777.4 (MANE Select); coding-DNA position 330, C replaced by T.
Protein change: p.Phe110=; no amino-acid change (phenylalanine 110 retained).
Molecular consequence: synonymous variant.
Genome position (GRCh38, 1-based): chr20:46,725,366, C>T. VCF-style: chr20-46725366-C-T. GRCh37 (hg19) VCF-style: chr20-45354005-C-T.
Identifiers: ClinVar variation 338591 (VCV000338591.29), dbSNP rs199848479, ClinGen allele CA9891956.